The following is an entry in ClinVar:

ClinVar aggregate classification (germline): Uncertain significance (1 of 4 stars; one submission).

Conditions:
Geleophysic dysplasia 2 (GPHYSD2). Identifiers: Orphanet 2623, MedGen C3280054, MONDO:0013612, OMIM 614185.
Progeroid and marfanoid aspect-lipodystrophy syndrome. Also called: MARFAN-PROGEROID-LIPODYSTROPHY SYNDROME; Marfan lipodystrophy syndrome; MARFANOID-PROGEROID SYNDROME; MARFANOID-PROGEROID-LIPODYSTROPHY SYNDROME. Identifiers: Orphanet 300382, MedGen C4310796, MONDO:0014831, OMIM 616914.
MASS syndrome (OCTD). Also called: MASS PHENOTYPE; OVERLAP CONNECTIVE TISSUE DISEASE. Identifiers: MedGen C1858556, MONDO:0011431, OMIM 604308.
Marfan syndrome (MFS). Also called: Marfan syndrome, classic; MARFAN SYNDROME, TYPE I; Marfan syndrome type 1; Marfan's syndrome; FBN1-Related Marfan Syndrome. Identifiers: Orphanet 284963, Orphanet 558, MedGen C0024796, MONDO:0007947, OMIM 154700.
Ectopia lentis 1, isolated, autosomal dominant (ECTOL1). Identifiers: Orphanet 1885, MedGen C3541518, MONDO:0007514, OMIM 129600.
Stiff skin syndrome (SSKS). Identifiers: Orphanet 2833, MedGen C1861456, MONDO:0008492, OMIM 184900.
Acromicric dysplasia (ACMICD). Also called: Acromicric skeletal dysplasia. Identifiers: Orphanet 969, MedGen C0265287, MONDO:0007055, OMIM 102370.
Weill-Marchesani syndrome 2, dominant. Also called: FBN1-Related Weill-Marchesani Syndrome; Weill-Marchesani Syndrome, Autosomal Dominant. Identifiers: Orphanet 2084, MedGen C1869115, MONDO:0012013, OMIM 608328.

Submission:

Center for Genomics, Ann and Robert H. Lurie Children's Hospital of Chicago
Classification: Uncertain significance for Acromicric dysplasia; Ectopia lentis 1, isolated, autosomal dominant; Geleophysic dysplasia 2; MASS syndrome; Progeroid and marfanoid aspect-lipodystrophy syndrome; Marfan syndrome; Stiff skin syndrome; Weill-Marchesani syndrome 2, dominant. Review status: criteria provided, single submitter. Criteria: ACMG Guidelines, 2015. Collection method: clinical testing. Allele origin: germline.
Comment: FBN1 NM_000138.4 exon 29 p.Leu1193Pro (c.3578T>C): This variant has not been reported in the literature and is not present in large control databases. Evolutionary conservation and computational predictive tools suggest that this variant may impact the protein. In summary, data on this variant is insufficient for disease classification. Therefore, the clinical significance of this variant is uncertain

NM_000138.5(FBN1):c.3578T>C (p.Leu1193Pro)

Gene: FBN1 (fibrillin 1; minus strand). Cytogenetic location: 15q21.1.
Variant type: single nucleotide variant.
Coding change: c.3578T>C on transcript NM_000138.5 (MANE Select); coding-DNA position 3578, T replaced by C.
Protein change: p.Leu1193Pro; replaces leucine 1193 with proline.
Molecular consequence: missense variant.
Genome position (GRCh38, 1-based): chr15:48,487,086, A>G on the plus strand (T>C on the coding strand, the complement: FBN1 is on the minus strand). VCF-style: chr15-48487086-A-G. GRCh37 (hg19) VCF-style: chr15-48779283-A-G.
Other names: short protein forms L1193P.
Identifiers: ClinVar variation 1675080 (VCV001675080.2), dbSNP rs2141293110, ClinGen allele CA392324892.